The following is an entry in ClinVar:

NM_000651.6(CR1):c.6948A>G (p.Leu2316=)

Gene: CR1 (complement C3b/C4b receptor 1 (Knops blood group); plus strand). Cytogenetic location: 1q32.2.
Variant type: single nucleotide variant.
Coding change: c.6948A>G on transcript NM_000651.6 (MANE Select); coding-DNA position 6948, A replaced by G.
Protein change: p.Leu2316=; no amino-acid change (leucine 2316 retained).
Molecular consequence: synonymous variant.
Genome position (GRCh38, 1-based): chr1:207,618,129, A>G. VCF-style: chr1-207618129-A-G. GRCh37 (hg19) VCF-style: chr1-207791474-A-G.
Other names: c.5598A>G, p.Leu1866= (NM_000573.4, NM_001381851.1).
Identifiers: ClinVar variation 3239608 (VCV003239608.19), dbSNP rs1225029504.
Genomic context (GRCh38, chr1:207,618,129, plus strand): 5'-AGCCTGCCCACATCCACCCAAGATCCAAAACGGGCATTACATTGGAGGACACGTATCTCT[A>G]TATCTTCCTGGGATGACAATCAGCTACATTTGTGACCCCGGCTACCTGTTAGTGGGAAAG-3'
Protein context (NP_000642.3, residues 2306-2326): NGHYIGGHVS[Leu2316=]YLPGMTISYI

ClinVar aggregate classification (germline): Likely benign (1 of 4 stars; one submission).

Allele frequency attached by ClinVar (database versions not stated): TOPMed 0.00001; gnomAD 0.00002; gnomAD exomes 0.00002.

Submission:

CeGaT Center for Human Genetics Tuebingen
Classification: Likely benign. Last evaluated: 2024-05-01. Review status: criteria provided, single submitter. Criteria: CeGaT Center For Human Genetics Tuebingen Variant Classification Criteria Version 2. Collection method: clinical testing. Allele origin: germline. Affected: yes. Observed: 1 variant allele.
Comment: CR1: BP4, BP7